The following is an entry in ClinVar:

ClinVar aggregate classification (germline): Uncertain significance (1 of 4 stars; one submission).

Conditions:
Catecholaminergic polymorphic ventricular tachycardia (CVPT). Also called: Catecholamine-induced polymorphic ventricular tachycardia. Identifiers: Orphanet 3286, MedGen C5574922, MONDO:0017990.

Submission:

All of Us Research Program, National Institutes of Health
Classification: Uncertain significance for Catecholaminergic polymorphic ventricular tachycardia. Last evaluated: 2023-08-23. Review status: criteria provided, single submitter. Criteria: ACMG Guidelines, 2015. Collection method: clinical testing. Allele origin: germline. Inheritance: Autosomal dominant inheritance. Observed: 1 variant allele, 1 heterozygote.
Comment: This variant causes a deletion of 9 consecutive amino acids in the RYR2 protein. To our knowledge, functional studies have not been reported for this variant. This variant has not been reported in individuals affected with RYR2-related disorders in the literature. This variant has not been identified in the general population by the Genome Aggregation Database (gnomAD). The available evidence is insufficient to determine the role of this variant in disease conclusively. Therefore, this variant is classified as a Variant of Uncertain Significance.

This study involves interpretation of variants in research participants for the purpose of population health screening. Participant phenotype was not available at the time of variant classification. Additional details can be found in publication PMID: 35346344, PMCID: PMC8962531

NM_001035.3(RYR2):c.13298_13324del (p.Glu4433_Lys4441del)

Gene: RYR2 (ryanodine receptor 2; plus strand). Cytogenetic location: 1q43.
Variant type: Deletion.
Coding change: c.13298_13324del on transcript NM_001035.3 (MANE Select); coding-DNA positions 13298 to 13324, 27 bases deleted (AAGAAACCAAATCTGAACCTGAAAAAG).
Protein change: p.Glu4433_Lys4441del.
Molecular consequence: inframe deletion.
Genome position (GRCh38, 1-based): chr1:237,786,006-237,786,032, AAGAAACCAAATCTGAACCTGAAAAAG deleted; deleting any 27 consecutive bases within chr1:237,785,999-237,786,032 gives the same sequence; the c. name uses the placement nearest the transcript's 3' end. VCF-style (leftmost placement, unchanged base first): chr1-237785998-AGAAAAAGAAGAAACCAAATCTGAACCT-A. GRCh37 (hg19) VCF-style: chr1-237949298-AGAAAAAGAAGAAACCAAATCTGAACCT-A.
Identifiers: ClinVar variation 3073081 (VCV003073081.1), dbSNP rs2527820860, ClinGen allele CA2651214203.